The following is an entry in ClinVar:

ClinVar aggregate classification (germline): Uncertain significance. Review status: criteria provided, multiple submitters, no conflicts (2 of 4 stars). 2 submissions from 2 submitters: Uncertain significance (2). Last evaluated 2024-03-06.

Conditions:
Hereditary cancer-predisposing syndrome. Also called: Hereditary Cancer Syndrome; Tumor predisposition; Hereditary neoplastic syndrome; Neoplastic Syndromes, Hereditary. Identifiers: Orphanet 140162, MedGen C0027672, MeSH D009386, MONDO:0015356.

gnomAD v4.1: 2 of 1,613,814 alleles (0.00012%); highest among the groups gnomAD compares: South Asian, 0.0011%; no homozygotes.

Submissions (2):

Ambry Genetics
Classification: Uncertain significance for Hereditary cancer-predisposing syndrome. Last evaluated: 2024-03-06. Review status: criteria provided, single submitter. Criteria: Ambry Variant Classification Scheme 2023. Collection method: clinical testing. Allele origin: germline.
Comment: The p.R244G variant (also known as c.730A>G), located in coding exon 5 of the NTHL1 gene, results from an A to G substitution at nucleotide position 730. The arginine at codon 244 is replaced by glycine, an amino acid with dissimilar properties. This amino acid position is highly conserved in available vertebrate species. In addition, this alteration is predicted to be deleterious by in silico analysis. Based on the available evidence, the clinical significance of this alteration remains unclear.

Labcorp Genetics (formerly Invitae), Labcorp
Classification: Uncertain significance. Last evaluated: 2020-08-06. Review status: criteria provided, single submitter. Criteria: Invitae Variant Classification Sherloc (09022015). Collection method: clinical testing. Allele origin: germline.
Comment: This variant is not present in population databases (ExAC no frequency). This sequence change replaces arginine with glycine at codon 244 of the NTHL1 protein (p.Arg244Gly). The arginine residue is highly conserved and there is a moderate physicochemical difference between arginine and glycine. This variant has not been reported in the literature in individuals with NTHL1-related conditions. In summary, the available evidence is currently insufficient to determine the role of this variant in disease. Therefore, it has been classified as a Variant of Uncertain Significance. Algorithms developed to predict the effect of missense changes on protein structure and function are either unavailable or do not agree on the potential impact of this missense change (SIFT: "Not Available"; PolyPhen-2: "Probably Damaging"; Align-GVGD: "Not Available").

NM_002528.7(NTHL1):c.706A>G (p.Arg236Gly)

Gene: NTHL1 (nth like DNA glycosylase 1; minus strand). Cytogenetic location: 16p13.3.
Variant type: single nucleotide variant.
Coding change: c.706A>G on transcript NM_002528.7 (MANE Select); coding-DNA position 706, A replaced by G.
Protein change: p.Arg236Gly; replaces arginine 236 with glycine.
Molecular consequence: missense variant.
Genome position (GRCh38, 1-based): chr16:2,040,218, T>C on the plus strand (A>G on the coding strand, the complement: NTHL1 is on the minus strand). VCF-style: chr16-2040218-T-C. GRCh37 (hg19) VCF-style: chr16-2090219-T-C.
Other names: c.730A>G (NM_002528.5); c.535A>G, p.Arg179Gly (NM_001318193.2); c.376A>G, p.Arg126Gly (NM_001318194.2); short protein forms R126G, R179G, R236G.
Identifiers: ClinVar variation 1055566 (VCV001055566.8), dbSNP rs2150938413, ClinGen allele CA394289272.